The following is an entry in ClinVar:

ClinVar aggregate classification (germline): Uncertain significance (1 of 4 stars; one submission).

Conditions:
Arrhythmogenic right ventricular dysplasia 9 (ARVD9). Also called: Arrhythmogenic Right Ventricular Dysplasia/Cardiomyopathy 9; ARRHYTHMOGENIC RIGHT VENTRICULAR DYSPLASIA, FAMILIAL, 9. Identifiers: MedGen C1836906, MONDO:0012180, OMIM 609040.

Submission:

Labcorp Genetics (formerly Invitae), Labcorp
Classification: Uncertain significance for Arrhythmogenic right ventricular dysplasia 9. Last evaluated: 2024-06-28. Review status: criteria provided, single submitter. Criteria: Invitae Variant Classification Sherloc (09022015). Collection method: clinical testing. Allele origin: germline.
Comment: This sequence change replaces serine, which is neutral and polar, with proline, which is neutral and non-polar, at codon 536 of the PKP2 protein (p.Ser536Pro). This variant is not present in population databases (gnomAD no frequency). This variant has not been reported in the literature in individuals affected with PKP2-related conditions. An algorithm developed to predict the effect of missense changes on protein structure and function (PolyPhen-2) suggests that this variant is likely to be tolerated. In summary, the available evidence is currently insufficient to determine the role of this variant in disease. Therefore, it has been classified as a Variant of Uncertain Significance.

NM_001005242.3(PKP2):c.1474T>C (p.Ser492Pro)

Gene: PKP2 (plakophilin 2; minus strand). Cytogenetic location: 12p11.21.
Variant type: single nucleotide variant.
Coding change: c.1474T>C on transcript NM_001005242.3 (MANE Select); coding-DNA position 1474, T replaced by C.
Protein change: p.Ser492Pro; replaces serine 492 with proline.
Molecular consequence: missense variant.
Genome position (GRCh38, 1-based): chr12:32,841,110, A>G on the plus strand (T>C on the coding strand, the complement: PKP2 is on the minus strand). VCF-style: chr12-32841110-A-G. GRCh37 (hg19) VCF-style: chr12-32994044-A-G.
Other names: c.1474T>C, p.Ser492Pro (NM_001407155.1, NM_001407156.1, NM_001407161.1); c.1606T>C, p.Ser536Pro (NM_001407157.1, NM_004572.4); c.1147T>C, p.Ser383Pro (NM_001407158.1, NM_001407159.1, NM_001407160.1 and 1 more transcripts); short protein forms S383P, S492P, S536P.
Identifiers: ClinVar variation 3697471 (VCV003697471.2).